The following is an entry in ClinVar:

ClinVar aggregate classification (germline): Uncertain significance. Review status: criteria provided, multiple submitters, no conflicts (2 of 4 stars). 2 submissions from 2 submitters: Uncertain significance (2). Last evaluated 2024-03-31.

Conditions:
Severe X-linked mitochondrial encephalomyopathy. Also called: ENCEPHALOMYOPATHY, MITOCHONDRIAL, X-LINKED. Identifiers: Orphanet 238329, MedGen C3151753, MONDO:0010437, OMIM 300816.
Charcot-Marie-Tooth disease X-linked recessive 4 (CMTX4). Also called: Cowchock syndrome; CHARCOT-MARIE-TOOTH DISEASE WITH DEAFNESS AND MENTAL RETARDATION; CHARCOT-MARIE-TOOTH DISEASE, X-LINKED RECESSIVE, 4, WITH OR WITHOUT CEREBELLAR ATAXIA. Identifiers: Orphanet 101078, MedGen C0795910, MONDO:0010689, OMIM 310490.
Deafness, X-linked 5 (DFNX5). Also called: AUDITORY NEUROPATHY, X-LINKED, 1, WITH PERIPHERAL SENSORY NEUROPATHY; DEAFNESS, X-LINKED 5, WITH PERIPHERAL NEUROPATHY. Identifiers: Orphanet 139583, MedGen C1845095, OMIM 300614.
Spondyloepimetaphyseal dysplasia, Bieganski type. Also called: Leukoencephalopathy with metaphyseal chondrodysplasia; Spondyloepimetaphyseal dysplasia, X-linked, with hypomyelinating leukodystrophy; SEMD X-linked with mental deterioration. Identifiers: Orphanet 168448, Orphanet 83629, MedGen C1846148, MONDO:0010275, OMIM 300232.
Combined oxidative phosphorylation deficiency. Identifiers: MedGen C4540031, MONDO:0000732.
Charcot-Marie-Tooth Neuropathy X. Identifiers: MedGen CN118851.

Allele frequency attached by ClinVar (database versions not stated): gnomAD exomes 0.00001; TOPMed 0.00005.
gnomAD v4.1: 7 of 1,209,946 alleles (0.00058%); highest among the groups gnomAD compares: South Asian, 0.0018%; no homozygotes.

Submissions (2):

Fulgent Genetics
Classification: Uncertain significance for Spondyloepimetaphyseal dysplasia, Bieganski type; Deafness, X-linked 5; Severe X-linked mitochondrial encephalomyopathy; Charcot-Marie-Tooth disease X-linked recessive 4. Last evaluated: 2024-03-31. Review status: criteria provided, single submitter. Criteria: ACMG Guidelines, 2015. Collection method: clinical testing. Allele origin: germline.

Labcorp Genetics (formerly Invitae), Labcorp
Classification: Uncertain significance for Charcot-Marie-Tooth Neuropathy X; Combined oxidative phosphorylation deficiency. Last evaluated: 2019-12-22. Review status: criteria provided, single submitter. Criteria: Invitae Variant Classification Sherloc (09022015). Collection method: clinical testing. Allele origin: germline.
Comment: In summary, the available evidence is currently insufficient to determine the role of this variant in disease. Therefore, it has been classified as a Variant of Uncertain Significance. Algorithms developed to predict the effect of missense changes on protein structure and function (SIFT, PolyPhen-2, Align-GVGD) all suggest that this variant is likely to be tolerated, but these predictions have not been confirmed by published functional studies and their clinical significance is uncertain. This variant has not been reported in the literature in individuals with AIFM1-related conditions. This variant is not present in population databases (ExAC no frequency). This sequence change replaces arginine with glutamine at codon 529 of the AIFM1 protein (p.Arg529Gln). The arginine residue is moderately conserved and there is a small physicochemical difference between arginine and glutamine.

NM_004208.4(AIFM1):c.1586G>A (p.Arg529Gln)

Genes: RAB33A (RAB33A, member RAS oncogene family; plus strand), AIFM1 (apoptosis inducing factor mitochondria associated 1; minus strand). Cytogenetic location: Xq26.1.
Variant type: single nucleotide variant.
Coding change: c.1586G>A on transcript NM_004208.4 (MANE Select); coding-DNA position 1586, G replaced by A.
Protein change: p.Arg529Gln; replaces arginine 529 with glutamine.
Molecular consequence: missense variant. On other transcripts: 3 prime UTR variant (1), non-coding transcript variant (1).
Genome position (GRCh38, 1-based): chrX:130,130,154, C>T on the plus strand (G>A on the coding strand, the complement: AIFM1 is on the minus strand). VCF-style: chrX-130130154-C-T. GRCh37 (hg19) VCF-style: chrX-129264129-C-T.
Other names: c.569G>A, p.Arg190Gln (NM_001130846.4); c.*814G>A (NM_001130847.4); c.1574G>A, p.Arg525Gln (NM_145812.3); short protein forms R190Q, R525Q, R529Q.
Identifiers: ClinVar variation 836428 (VCV000836428.11), dbSNP rs1227079178, ClinGen allele CA414569829.
Genomic context (GRCh38, chrX:130,130,154, plus strand): 5'-GCCGGGGTGCTGGGAGGAATAGTAATTTCTGAGGCCTCGGACTCTGTCTCACTCTCTGAT[C>T]GGATACCAGTTCCTGTGGCCAGCCCCCAAAACAAATAAACATGGAAGCAAAATCAAAACT-3'
Protein context (NP_004199.1, residues 519-539): SATEQSGTGI[Arg529Gln]SESETESEAS